The following is an entry in ClinVar:

NM_001145809.2(MYH14):c.3596G>A (p.Arg1199His)

Gene: MYH14 (myosin heavy chain 14; plus strand). Cytogenetic location: 19q13.33.
Variant type: single nucleotide variant.
Coding change: c.3596G>A on transcript NM_001145809.2 (MANE Select); coding-DNA position 3596, G replaced by A.
Protein change: p.Arg1199His; replaces arginine 1199 with histidine.
Molecular consequence: missense variant.
Genome position (GRCh38, 1-based): chr19:50,276,119, G>A. VCF-style: chr19-50276119-G-A. GRCh37 (hg19) VCF-style: chr19-50779376-G-A.
Other names: c.3497G>A, p.Arg1166His (NM_001077186.2); c.3473G>A, p.Arg1158His (NM_024729.4); short protein forms R1158H, R1166H, R1199H.
Identifiers: ClinVar variation 3899497 (VCV003899497.2).
Genomic context (GRCh38, chr19:50,276,119, plus strand): 5'-CCGAGGCCCAGGAGGACCTGGAGTCTGAGCGTGTGGCCAGGACCAAGGCGGAGAAGCAGC[G>A]CCGGGACCTGGGCGAGGAGCTGGAGGCGCTGCGGGGCGAGCTGGAGGACACGCTGGACTC-3'
Protein context (NP_001139281.1, residues 1189-1209): RVARTKAEKQ[Arg1199His]RDLGEELEAL

ClinVar aggregate classification (germline): Uncertain significance. Review status: criteria provided, multiple submitters, no conflicts (2 of 4 stars). 2 submissions from 2 submitters: Uncertain significance (2). Last evaluated 2025-09-01.

Conditions:
Inborn genetic diseases. Identifiers: MedGen C0950123, MeSH D030342.

gnomAD v4.1: 27 of 1,598,610 alleles (0.0017%); highest among the groups gnomAD compares: African/African-American, 0.0013%; no homozygotes.

Submissions (2):

Ambry Genetics
Classification: Uncertain significance for Inborn genetic diseases. Last evaluated: 2025-09-01. Review status: criteria provided, single submitter. Criteria: Ambry Variant Classification Scheme 2023. Collection method: clinical testing. Allele origin: germline.

GeneDx
Classification: Uncertain significance. Last evaluated: 2024-11-18. Review status: criteria provided, single submitter. Criteria: GeneDx Variant Classification Process June 2021. Collection method: clinical testing. Allele origin: germline. Affected: yes.
Comment: In silico analysis supports that this missense variant has a deleterious effect on protein structure/function; Has not been previously published as pathogenic or benign to our knowledge